The following is an entry in ClinVar:

ClinVar aggregate classification (germline): Benign (1 of 4 stars; one submission).

Allele frequency attached by ClinVar (database versions not stated): gnomAD exomes 0.42014; 1000 Genomes Project 0.44629; 1000 Genomes Project 30x 0.46190; gnomAD 0.49202 and 0.50294; TOPMed 0.50252.
gnomAD v4.1: 449,371 of 1,041,970 alleles (43%); highest among the groups gnomAD compares: African/African-American, 68%; 102,166 homozygotes.

Submission:

GeneDx
Classification: Benign. Last evaluated: 2018-06-19. Review status: criteria provided, single submitter. Criteria: GeneDx Variant Classification (06012015). Collection method: clinical testing. Allele origin: germline. Affected: yes.
Comment: This variant is considered likely benign or benign based on one or more of the following criteria: it is a conservative change, it occurs at a poorly conserved position in the protein, it is predicted to be benign by multiple in silico algorithms, and/or has population frequency not consistent with disease.

NM_001130987.2(DYSF):c.3756+133T>C

Gene: DYSF (dysferlin; plus strand). Cytogenetic location: 2p13.2.
Variant type: single nucleotide variant.
Coding change: c.3756+133T>C on transcript NM_001130987.2 (MANE Select); 133 bases into the intron after coding-DNA position 3756, T replaced by C.
Molecular consequence: intron variant.
Genome position (GRCh38, 1-based): chr2:71,598,878, T>C. VCF-style: chr2-71598878-T-C. GRCh37 (hg19) VCF-style: chr2-71826008-T-C.
Other names: c.3795+133T>C (NM_001130979.2); c.3753+133T>C (NM_001130981.2, NM_001130980.2); c.3702+133T>C (NM_001130978.2, NM_003494.4); c.3660+133T>C (NM_001130977.2, NM_001130976.2); c.3798+133T>C (NM_001130982.2); c.3756+133T>C (NM_001130985.2); c.3705+133T>C (NM_001130983.2, NM_001130455.2); c.3663+133T>C (NM_001130984.2, NM_001130986.2).
Identifiers: ClinVar variation 679989 (VCV000679989.1), dbSNP rs2303600, ClinGen allele CA11072053.